The following is an entry in ClinVar:

NM_004329.3(BMPR1A):c.579G>A (p.Leu193=)

Gene: BMPR1A (bone morphogenetic protein receptor type 1A; plus strand). Cytogenetic location: 10q23.2.
Variant type: single nucleotide variant.
Coding change: c.579G>A on transcript NM_004329.3 (MANE Select); coding-DNA position 579, G replaced by A.
Protein change: p.Leu193=; no amino-acid change (leucine 193 retained).
Molecular consequence: synonymous variant. On other transcripts: non-coding transcript variant (3), intron variant (1).
Genome position (GRCh38, 1-based): chr10:86,912,288, G>A. VCF-style: chr10-86912288-G-A. GRCh37 (hg19) VCF-style: chr10-88672045-G-A.
Other names: c.654G>A, p.Leu218= (NM_001406559.1); c.627G>A, p.Leu209= (NM_001406560.1); c.579G>A, p.Leu193= (NM_001406561.1, NM_001406562.1, NM_001406563.1 and 20 more transcripts); c.495G>A, p.Leu165= (NM_001406584.1, NM_001406585.1, NM_001406586.1 and 2 more transcripts); c.334-4846G>A (NM_001406589.1).
Identifiers: ClinVar variation 1749711 (VCV001749711.4), dbSNP rs1060503404, ClinGen allele CA470307632.

ClinVar aggregate classification (germline): Benign/Likely benign. Review status: criteria provided, multiple submitters, no conflicts (2 of 4 stars). 3 submissions from 3 submitters: Benign (1); Likely benign (2). Last evaluated 2025-12-18.

Conditions:
Hereditary cancer-predisposing syndrome. Also called: Neoplastic Syndromes, Hereditary; Tumor predisposition; Hereditary neoplastic syndrome; Hereditary Cancer Syndrome. Identifiers: Orphanet 140162, MedGen C0027672, MeSH D009386, MONDO:0015356.
Juvenile polyposis syndrome (JPS). Identifiers: Orphanet 2929, MedGen C0345893, MONDO:0017380, OMIM 174900.

Submissions (3):

Labcorp Genetics (formerly Invitae), Labcorp
Classification: Likely benign for Juvenile polyposis syndrome. Last evaluated: 2025-12-18. Review status: criteria provided, single submitter. Criteria: Invitae Variant Classification Sherloc (09022015). Collection method: clinical testing. Allele origin: germline.

Myriad Genetics, Inc.
Classification: Benign for Juvenile polyposis syndrome. Last evaluated: 2024-08-01. Review status: criteria provided, single submitter. Criteria: Myriad Autosomal Dominant, Autosomal Recessive and X-Linked Classification Criteria (2023). Collection method: clinical testing. Allele origin: unknown.
Comment: This variant is considered benign. This variant is a silent/synonymous amino acid change and it is not expected to impact splicing.

Ambry Genetics
Classification: Likely benign for Hereditary cancer-predisposing syndrome. Last evaluated: 2020-04-07. Review status: criteria provided, single submitter. Criteria: Ambry Variant Classification Scheme 2023. Collection method: clinical testing. Allele origin: germline.